The following is an entry in ClinVar:

NM_020975.6(RET):c.961G>A (p.Gly321Arg)

Gene: RET (ret proto-oncogene; plus strand). Cytogenetic location: 10q11.21.
Variant type: single nucleotide variant.
Coding change: c.961G>A on transcript NM_020975.6 (MANE Select); coding-DNA position 961, G replaced by A.
Protein change: p.Gly321Arg; replaces glycine 321 with arginine.
Molecular consequence: missense variant.
Genome position (GRCh38, 1-based): chr10:43,106,469, G>A. VCF-style: chr10-43106469-G-A. GRCh37 (hg19) VCF-style: chr10-43601917-G-A.
Other names: c.961G>A, p.Gly321Arg (NM_000323.2, NM_001406743.1, NM_001406744.1 and 6 more transcripts); c.199G>A, p.Gly67Arg (NM_001355216.2); c.832G>A, p.Gly278Arg (NM_001406761.1, NM_001406762.1, NM_001406764.1 and 1 more transcripts); c.673G>A, p.Gly225Arg (NM_001406766.1, NM_001406767.1, NM_001406770.1); short protein forms G67R, G278R, G225R.
Identifiers: ClinVar variation 24881 (VCV000024881.50), dbSNP rs377767388, ClinGen allele CA009403.
Genomic context (GRCh38, chr10:43,106,469, plus strand): 5'-GCAGACGTGGTACCTGCATCAGGGGAGCTGGTGAGGCGGTACACAAGCACGCTGCTCCCC[G>A]GGGACACCTGGGCCCAGCAGACCTTCCGGGTGGAACACTGGCCCAACGAGACCTCGGTCC-3'
Protein context (NP_066124.1, residues 311-331): VRRYTSTLLP[Gly321Arg]DTWAQQTFRV

ClinVar aggregate classification (germline): Conflicting classifications of pathogenicity. Review status: criteria provided, conflicting classifications (1 of 4 stars). 13 submissions from 13 submitters: Uncertain significance (11); Likely benign (2). Last evaluated 2026-08-27.

Conditions:
RET-related disorder. Also called: RET-related disorders; RET-related condition; RET-related disease.
Medullary thyroid carcinoma (MTC). Also called: Medullary thyroid gland carcinoma. Identifiers: Orphanet 1332, MedGen C0238462, MeSH C536914, MONDO:0015277, HP:0002865.
Hereditary cancer-predisposing syndrome. Also called: Neoplastic Syndromes, Hereditary; Tumor predisposition; Hereditary Cancer Syndrome; Hereditary neoplastic syndrome. Identifiers: Orphanet 140162, MedGen C0027672, MeSH D009386, MONDO:0015356.
Multiple endocrine neoplasia, type 2 (MEN2). Identifiers: Orphanet 653, MedGen C4048306, MONDO:0019003. Disease mechanism: gain of function.
Multiple endocrine neoplasia type 2A. Also called: MULTIPLE ENDOCRINE NEOPLASIA, TYPE IIA; PTC SYNDROME; SIPPLE SYNDROME; MEN 2A; MEN-2A syndrome; Pheochromocytoma and amyloid producing medullary thyroid carcinoma. Identifiers: Orphanet 247698, Orphanet 653, MedGen C0025268, MeSH D018813, MONDO:0008234, OMIM 171400.
Hirschsprung disease, susceptibility to, 1 (HSCR1). Also called: RET-Related Hirschsprung Disease. Identifiers: Orphanet 388, MedGen C3888239, MONDO:0007723, OMIM 142623.

Allele frequency attached by ClinVar (database versions not stated): gnomAD exomes 0.00005 and 0.00008; ESP Exome Variant Server 0.00008; gnomAD 0.00009; ExAC 0.00010; TOPMed 0.00012.
gnomAD v4.1: 86 of 1,613,150 alleles (0.0053%); highest among the groups gnomAD compares: East Asian, 0.018%; no homozygotes.

Submissions (13):

PreventionGenetics, part of Exact Sciences
Classification: Uncertain significance for RET-related condition. Last evaluated: 2026-08-27. Review status: criteria provided, single submitter. Criteria: ACMG Guidelines, 2015. Collection method: clinical testing. Allele origin: germline.
Comment: The RET c.961G>A variant is predicted to result in the amino acid substitution p.Gly321Arg. This variant has been reported in individuals with familial medullary thyroid carcinoma, breast cancer, and a patient with PTEN-negative Cowden syndrome (Dvorakova et al. 2005. PubMed ID: 16419493; Table S3, Guindalini et al. 2022. PubMed ID: 35264596; Table S9, Yehia et al. 2018. PubMed ID: 29684080). Functional studies indicate this variant does not impact RET protein function (Kovac et al. 2020. PubMed ID: 32179705). This variant is reported in 0.012% of alleles in individuals of African descent in gnomAD and has conflicting interpretations of pathogenicity of uncertain and likely benign in ClinVar (Variation ID: 24881). At this time, the clinical significance of this variant is uncertain due to the absence of conclusive functional and genetic evidence.

Labcorp Genetics (formerly Invitae), Labcorp
Classification: Uncertain significance for Multiple endocrine neoplasia, type 2. Last evaluated: 2026-02-03. Review status: criteria provided, single submitter. Criteria: Invitae Variant Classification Sherloc (09022015). Collection method: clinical testing. Allele origin: germline.
Comment: This sequence change replaces glycine, which is neutral and non-polar, with arginine, which is basic and polar, at codon 321 of the RET protein (p.Gly321Arg). This variant is present in population databases (rs377767388, gnomAD 0.01%). This missense change has been observed in individual(s) with thyroid cancer (PMID: 16419493, 27014708). ClinVar contains an entry for this variant (Variation ID: 24881). An algorithm developed to predict the effect of missense changes on protein structure and function outputs the following: PolyPhen-2: "Benign". The arginine amino acid residue is found in multiple mammalian species, which suggests that this missense change does not adversely affect protein function. In summary, the available evidence is currently insufficient to determine the role of this variant in disease. Therefore, it has been classified as a Variant of Uncertain Significance.

Color Diagnostics, LLC DBA Color Health
Classification: Likely benign for Multiple endocrine neoplasia, type 2. Last evaluated: 2025-11-11. Review status: criteria provided, single submitter. Criteria: ACMG Guidelines, 2015. Collection method: clinical testing. Allele origin: germline.

Quest Diagnostics Nichols Institute San Juan Capistrano
Classification: Uncertain significance. Last evaluated: 2025-10-30. Review status: criteria provided, single submitter. Criteria: Quest Diagnostics criteria. Collection method: clinical testing. Allele origin: unknown.

Center for Genomic Medicine, Rigshospitalet, Copenhagen University Hospital
Classification: Uncertain significance. Last evaluated: 2025-03-04. Review status: criteria provided, single submitter. Criteria: ACMG Guidelines, 2015. Collection method: clinical testing. Allele origin: germline.

CeGaT Center for Human Genetics Tuebingen
Classification: Uncertain significance. Last evaluated: 2023-12-01. Review status: criteria provided, single submitter. Criteria: CeGaT Center For Human Genetics Tuebingen Variant Classification Criteria Version 2. Collection method: clinical testing. Allele origin: germline. Affected: yes. Observed: 1 variant allele.
Comment: RET: PM2, BP4

Baylor Genetics
Classification: Uncertain significance for Hirschsprung disease, susceptibility to, 1. Last evaluated: 2023-10-30. Review status: criteria provided, single submitter. Criteria: ACMG Guidelines, 2015. Collection method: clinical testing. Allele origin: unknown.

Sema4
Classification: Uncertain significance for Hereditary cancer-predisposing syndrome. Last evaluated: 2022-03-09. Review status: criteria provided, single submitter. Criteria: Sema4 Curation Guidelines. Collection method: curation. Allele origin: germline.
Comment: The RET c.961G>A (p.G321R) variant has been reported in heterozygosity in at least three individuals with medullary thyroid carcinoma and/or C cell hyperplasia (PMID: 16419493, 27014708). It has also been reported in one individual with endometrial cancer, one individual with pediatric osteosarcoma and one individual with advanced cancer (PMID: 29684080, 28873162, 32179705). A RET activation study demonstrated the normal function of the protein (PMID: 32179705). This variant was observed in 3/24614 chromosomes in the African/African American population, according to the Genome Aggregation Database (PMID: 32461654). The variant has been reported in ClinVar (Variation ID: 24881). In silico predictions of the variant's effect on protein function are inconclusive. The evidence is insufficient to meet ACMG/AMP criteria for classifying the variant as benign or pathogenic. Thus, the clinical significance of this variant is currently uncertain.

Institute for Clinical Genetics, University Hospital TU Dresden, University Hospital TU Dresden
Classification: Uncertain significance. Last evaluated: 2021-11-03. Review status: criteria provided, single submitter. Criteria: ACMG Guidelines, 2015. Collection method: clinical testing. Allele origin: germline.

Genetic Services Laboratory, University of Chicago
Classification: Uncertain significance. Last evaluated: 2020-12-21. Review status: criteria provided, single submitter. Criteria: ACMG Guidelines, 2015. Collection method: clinical testing. Allele origin: germline. Affected: no.
Comment: DNA sequence analysis of the RET gene demonstrated a sequence change, c.961G>A, in exon 5 that results in an amino acid change, p.Gly321Arg. This sequence change has been described in the gnomAD database with a frequency of 0.012% in the European sub-population (dbSNP rs377767388). The p.Gly321Arg change has been reported in a family with medullary thyroid cancer and/or C cell hyperplasia; however, the sequence change did not segregate with disease in the family (PMID: 16419493). The p.Gly321Arg change affects a poorly conserved amino acid residue located in a domain of the RET protein that is known to be functional. The p.Gly321Arg substitution appears to be benign using several in-silico pathogenicity prediction tools (SIFT, PolyPhen2, Align GVGD, REVEL). Due to these contrasting evidences and the lack of functional studies, the clinical significance of the p.Gly321Arg change remains unknown at this time.

Ambry Genetics
Classification: Likely benign for Hereditary cancer-predisposing syndrome. Last evaluated: 2020-04-15. Review status: criteria provided, single submitter. Criteria: Ambry Variant Classification Scheme 2023. Collection method: clinical testing. Allele origin: germline.

Mendelics
Classification: Uncertain significance for Multiple endocrine neoplasia, type 2a. Last evaluated: 2018-07-02. Review status: criteria provided, single submitter. Criteria: Mendelics Assertion Criteria 2017. Collection method: clinical testing. Allele origin: unknown.

CSER _CC_NCGL, University of Washington
Classification: Uncertain significance for Thyroid carcinoma, medullary. Last evaluated: 2014-06-01. Review status: criteria provided, single submitter. Criteria: Amendola et al. (Genome Res. 2015). Collection method: research. Allele origin: germline. Inheritance: Autosomal dominant inheritance. Study: ESP 6500 variant annotation.
Comment: Low GERP score may suggest that this variant may belong in a lower pathogenicity class

Variants classified for the Actionable exomic incidental findings in 6503 participants: challenges of variant classification manuscript

Literature cited by the submitters: PubMed 16419493 (cited by Labcorp Genetics (formerly Invitae), Labcorp and Sema4); PubMed 27014708 (cited by Labcorp Genetics (formerly Invitae), Labcorp and Sema4); PubMed 29684080 (cited by Sema4); PubMed 28873162 (cited by Sema4); PubMed 32179705 (cited by Sema4).